The following is an entry in ClinVar:

ClinVar aggregate classification (germline): Pathogenic/Likely pathogenic. Review status: criteria provided, multiple submitters, no conflicts (2 of 4 stars). 4 submissions from 4 submitters: Pathogenic (2); Likely pathogenic (2). Last evaluated 2025-06-20.

Conditions:
Combined immunodeficiency with skin granulomas. Identifiers: Orphanet 157949, MedGen C2673536, MONDO:0009306, OMIM 233650.
Severe combined immunodeficiency, autosomal recessive, T cell-negative, B cell-negative, NK cell-positive. Also called: SCID, T CELL-NEGATIVE, B CELL-NEGATIVE, NK CELL-POSITIVE; Severe combined immunodeficiency due to complete RAG1/2 deficiency; SCID, AR, T-cell negative, B-cell negative, NK cell-positive. Identifiers: Orphanet 331206, MedGen C1832322, MONDO:0011086, OMIM 601457.
Combined immunodeficiency due to partial RAG1 deficiency. Identifiers: Orphanet 231154, MedGen C1835931, MONDO:0012359, OMIM 609889.
Histiocytic medullary reticulosis. Also called: SEVERE COMBINED IMMUNODEFICIENCY WITH HYPEREOSINOPHILIA; Omenn syndrome. Identifiers: Orphanet 39041, MedGen C2700553, MONDO:0011338, OMIM 603554.
Severe combined immunodeficiency disease. Also called: Severe Combined Immune Deficiency; Severe combined immunodeficiency. Identifiers: Orphanet 183660, MedGen C0085110, MeSH D016511, MONDO:0015974, HP:0004430. Inheritance: X-Linked or Autosomal recessive.

Allele frequency attached by ClinVar (database versions not stated): ExAC 0.00001; gnomAD exomes 0.00001.
gnomAD v4.1: 9 of 1,614,210 alleles (0.00056%); highest among the groups gnomAD compares: South Asian, 0.0011%; no homozygotes.

Submissions (4):

Women's Health and Genetics/Laboratory Corporation of America, LabCorp
Classification: Pathogenic for Severe combined immunodeficiency disease. Last evaluated: 2025-06-20. Review status: criteria provided, single submitter. Criteria: LabCorp Variant Classification Summary - May 2015. Collection method: clinical testing. Allele origin: germline.
Comment: Variant summary: RAG1 c.2209C>T (p.Arg737Cys) results in a non-conservative amino acid change in the encoded protein sequence. Algorithms developed to predict the effect of missense changes on protein structure and function all suggest that this variant is likely to be disruptive. The variant allele was found at a frequency of 8e-06 in 251388 control chromosomes. c.2209C>T has been observed in compound heterozygous individuals affected with Severe Combined Immunodeficiency (e.g., Tanita_2022, Suratannon_2020, Akar_2016, Patiroglu_2015, Schuetz_2014, Lagresle-Peyrou_2008, Zeng_2023). These data indicate that the variant is likely to be associated with disease. A different variant affecting the same codon has been classified as likely pathogenic by our lab (c.2210G>A, p.Arg737His), supporting the critical relevance of codon 737 to RAG1 protein function. The following publications have been ascertained in the context of this evaluation (PMID: 35281013, 32373116, 27095930, 26689875, 24144642, 18223550, 36662455). ClinVar contains an entry for this variant (Variation ID: 2506198). Based on the evidence outlined above, the variant was classified as pathogenic.

Labcorp Genetics (formerly Invitae), Labcorp
Classification: Pathogenic for Combined immunodeficiency with skin granulomas; Severe combined immunodeficiency, autosomal recessive, T cell-negative, B cell-negative, NK cell-positive. Last evaluated: 2024-04-23. Review status: criteria provided, single submitter. Criteria: Invitae Variant Classification Sherloc (09022015). Collection method: clinical testing. Allele origin: germline.
Comment: This sequence change replaces arginine, which is basic and polar, with cysteine, which is neutral and slightly polar, at codon 737 of the RAG1 protein (p.Arg737Cys). This variant is present in population databases (rs760816389, gnomAD 0.002%). This missense change has been observed in individuals with severe combined immunodeficiency (PMID: 24144642, 27095930, 35281013). ClinVar contains an entry for this variant (Variation ID: 2506198). Advanced modeling of protein sequence and biophysical properties (such as structural, functional, and spatial information, amino acid conservation, physicochemical variation, residue mobility, and thermodynamic stability) has been performed at Invitae for this missense variant, however the output from this modeling did not meet the statistical confidence thresholds required to predict the impact of this variant on RAG1 protein function. This variant disrupts the p.Arg737 amino acid residue in RAG1. Other variant(s) that disrupt this residue have been determined to be pathogenic (PMID: 9630231, 17572155, 28109013, 30290665, 30858051). This suggests that this residue is clinically significant, and that variants that disrupt this residue are likely to be disease-causing. For these reasons, this variant has been classified as Pathogenic.

Fulgent Genetics
Classification: Likely pathogenic for Combined immunodeficiency with skin granulomas; Severe combined immunodeficiency, autosomal recessive, T cell-negative, B cell-negative, NK cell-positive; Histiocytic medullary reticulosis; Combined immunodeficiency due to partial RAG1 deficiency. Last evaluated: 2024-04-09. Review status: criteria provided, single submitter. Criteria: ACMG Guidelines, 2015. Collection method: clinical testing. Allele origin: germline.

Baylor Genetics
Classification: Likely pathogenic for Combined immunodeficiency due to partial RAG1 deficiency. Last evaluated: 2023-07-15. Review status: criteria provided, single submitter. Criteria: ACMG Guidelines, 2015. Collection method: clinical testing. Allele origin: unknown.

Literature cited by the submitters: PubMed 18223550 (cited by Women's Health and Genetics/Laboratory Corporation of America, LabCorp); PubMed 32373116 (cited by Women's Health and Genetics/Laboratory Corporation of America, LabCorp); PubMed 24144642 (cited by Women's Health and Genetics/Laboratory Corporation of America, LabCorp and Labcorp Genetics (formerly Invitae), Labcorp); PubMed 27095930 (cited by Women's Health and Genetics/Laboratory Corporation of America, LabCorp and Labcorp Genetics (formerly Invitae), Labcorp); PubMed 26689875 (cited by Women's Health and Genetics/Laboratory Corporation of America, LabCorp); PubMed 35281013 (cited by Women's Health and Genetics/Laboratory Corporation of America, LabCorp and Labcorp Genetics (formerly Invitae), Labcorp); PubMed 36662455 (cited by Women's Health and Genetics/Laboratory Corporation of America, LabCorp); PubMed 9630231 (cited by Labcorp Genetics (formerly Invitae), Labcorp); PubMed 17572155 (cited by Labcorp Genetics (formerly Invitae), Labcorp); PubMed 28109013 (cited by Labcorp Genetics (formerly Invitae), Labcorp); PubMed 30290665 (cited by Labcorp Genetics (formerly Invitae), Labcorp); PubMed 30858051 (cited by Labcorp Genetics (formerly Invitae), Labcorp).

NM_000448.3(RAG1):c.2209C>T (p.Arg737Cys)

Gene: RAG1 (recombination activating 1; plus strand). Cytogenetic location: 11p12.
Variant type: single nucleotide variant.
Coding change: c.2209C>T on transcript NM_000448.3 (MANE Select); coding-DNA position 2209, C replaced by T.
Protein change: p.Arg737Cys; replaces arginine 737 with cysteine.
Molecular consequence: missense variant.
Genome position (GRCh38, 1-based): chr11:36,575,513, C>T. VCF-style: chr11-36575513-C-T. GRCh37 (hg19) VCF-style: chr11-36597063-C-T.
Other names: c.2209C>T, p.Arg737Cys (NM_001377277.1, NM_001377278.1, NM_001377279.1 and 1 more transcripts); short protein forms R737C.
Identifiers: ClinVar variation 2506198 (VCV002506198.7), dbSNP rs760816389, ClinGen allele CA5950227.